The following is an entry in ClinVar:

ClinVar aggregate classification (germline): Uncertain significance (1 of 4 stars; one submission).

Conditions:
Neuroblastoma, susceptibility to, 3. Also called: ALK-Related Neuroblastic Tumor Susceptibility. Identifiers: Orphanet 635, MedGen C2751681, MONDO:0013083, OMIM 613014.

Submission:

Labcorp Genetics (formerly Invitae), Labcorp
Classification: Uncertain significance for Neuroblastoma, susceptibility to, 3. Last evaluated: 2019-02-12. Review status: criteria provided, single submitter. Criteria: Invitae Variant Classification Sherloc (09022015). Collection method: clinical testing. Allele origin: germline.
Comment: In summary, the available evidence is currently insufficient to determine the role of this variant in disease. Therefore, it has been classified as a Variant of Uncertain Significance. This variant has not been reported in the literature in individuals with ALK-related conditions. This variant is not present in population databases (ExAC no frequency). This sequence change affects an acceptor splice site in intron 12 of the ALK gene. It is expected to disrupt RNA splicing and likely results in an absent or disrupted protein product. Algorithms developed to predict the effect of sequence changes on RNA splicing suggest that this variant may disrupt the consensus splice site, but this prediction has not been confirmed by published transcriptional studies. The current clinical and genetic evidence is not sufficient to establish whether loss-of-function variants in ALK cause disease.

NM_004304.5(ALK):c.2205-2A>T

Gene: ALK (ALK receptor tyrosine kinase; minus strand). Cytogenetic location: 2p23.2.
Variant type: single nucleotide variant.
Coding change: c.2205-2A>T on transcript NM_004304.5 (MANE Select); the canonical splice acceptor site of the intron before coding-DNA position 2205, A replaced by T.
Molecular consequence: splice acceptor variant.
Genome position (GRCh38, 1-based): chr2:29,239,832, T>A on the plus strand (A>T on the coding strand, the complement: ALK is on the minus strand). VCF-style: chr2-29239832-T-A. GRCh37 (hg19) VCF-style: chr2-29462698-T-A.
Identifiers: ClinVar variation 842923 (VCV000842923.8), dbSNP rs1664477879, ClinGen allele CA346474821.